The following is an entry in ClinVar:

ClinVar aggregate classification (germline): Pathogenic (1 of 4 stars; one submission).

Submission:

Labcorp Genetics (formerly Invitae), Labcorp
Classification: Pathogenic. Last evaluated: 2026-01-24. Review status: criteria provided, single submitter. Criteria: Invitae Variant Classification Sherloc (09022015). Collection method: clinical testing. Allele origin: germline.
Comment: This sequence change creates a premature translational stop signal (p.Ser338Leufs*13) in the DEAF1 gene. It is expected to result in an absent or disrupted protein product. Loss-of-function variants in DEAF1 are known to be pathogenic (PMID: 30923367). This variant is not present in population databases (gnomAD no frequency). This variant has not been reported in the literature in individuals affected with DEAF1-related conditions. For these reasons, this variant has been classified as Pathogenic.

Literature cited by the submitters: PubMed 30923367.

NM_021008.4(DEAF1):c.1011dup (p.Ser338fs)

Gene: DEAF1 (DEAF1 transcription factor; minus strand). Cytogenetic location: 11p15.5.
Variant type: Duplication.
Coding change: c.1011dup on transcript NM_021008.4 (MANE Select); coding-DNA position 1011, one base duplicated (C; older notation c.1011dupC).
Protein change: p.Ser338fs; shifts the reading frame from serine 338.
Molecular consequence: frameshift variant.
Genome position (GRCh38, 1-based): chr11:679,803, G duplicated on the plus strand (C on the coding strand, the reverse complement: DEAF1 is on the minus strand); the first of 5 consecutive G bases (chr11:679,803-679,807); duplicating any one gives the same sequence. VCF-style (leftmost placement, unchanged base first): chr11-679802-A-AG. GRCh37 (hg19) VCF-style: chr11-679802-A-AG.
Other names: c.744dup, p.Ser249fs (NM_001293634.2); c.285dup, p.Ser96fs (NM_001367390.1, NM_001440885.1, NM_001440886.1 and 1 more transcripts); c.1011dup, p.Ser338fs (NM_001440883.1, NM_001440884.1); short protein forms S96fs, S249fs, S338fs.
Identifiers: ClinVar variation 4736032 (VCV004736032.1).